The following is an entry in ClinVar:

ClinVar aggregate classification (germline): Benign. Review status: criteria provided, single submitter (1 of 4 stars). 2 submissions from 2 submitters: Benign (1). 1 of the submissions does not count toward it. Last evaluated 2017-12-11.

Conditions:
SARDH-related disorder. Also called: SARDH-related condition.

Allele frequency attached by ClinVar (database versions not stated): gnomAD exomes 0.00041 and 0.00096; ExAC 0.00124; 1000 Genomes Project 30x 0.00265; 1000 Genomes Project 0.00280; gnomAD 0.00358 and 0.00379; TOPMed 0.00399; ESP Exome Variant Server 0.00416.
gnomAD v4.1: 1,163 of 1,612,688 alleles (0.072%); highest among the groups gnomAD compares: African/African-American, 1.2%; 3 homozygotes.

Submissions (2):

Labcorp Genetics (formerly Invitae), Labcorp
Classification: Benign. Last evaluated: 2017-12-11. Review status: criteria provided, single submitter. Criteria: Invitae Variant Classification Sherloc (09022015). Collection method: clinical testing. Allele origin: germline.

PreventionGenetics, part of Exact Sciences
Classification: Benign for SARDH-related condition. Last evaluated: 2019-08-01. Review status: no assertion criteria provided. Collection method: clinical testing. Allele origin: germline. Not counted in ClinVar's aggregate classification.
Comment: This variant is classified as benign based on ACMG/AMP sequence variant interpretation guidelines (Richards et al. 2015 PMID: 25741868, with internal and published modifications).

NM_001134707.2(SARDH):c.182G>A (p.Arg61Gln)

Gene: SARDH (sarcosine dehydrogenase; minus strand). Cytogenetic location: 9q34.2.
Variant type: single nucleotide variant.
Coding change: c.182G>A on transcript NM_001134707.2 (MANE Select); coding-DNA position 182, G replaced by A.
Protein change: p.Arg61Gln; replaces arginine 61 with glutamine.
Molecular consequence: missense variant.
Genome position (GRCh38, 1-based): chr9:133,733,992, C>T on the plus strand (G>A on the coding strand, the complement: SARDH is on the minus strand). VCF-style: chr9-133733992-C-T. GRCh37 (hg19) VCF-style: chr9-136599114-C-T.
Other names: c.182G>A, p.Arg61Gln (NM_007101.4); short protein forms R61Q.
Identifiers: ClinVar variation 711532 (VCV000711532.5), dbSNP rs147399332, ClinGen allele CA5314886.
Genomic context (GRCh38, chr9:133,733,992, plus strand): 5'-GTCTGGCAGCCCAAGCTGCCTCCACCAATGACCACCACGTTGGCCGTGCTGGGCAGGGGC[C>T]GGCTTGGGCCTTGGGCCACCACCGAGGTGCCCTGTCCCTCCTTCAGGGTCCGCTGATATG-3'
Protein context (NP_001128179.1, residues 51-71): GTSVVAQGPS[Arg61Gln]PLPSTANVVV